The following is an entry in ClinVar:

NM_015425.6(POLR1A):c.1942T>C (p.Phe648Leu)

Gene: POLR1A (RNA polymerase I subunit A; minus strand). Cytogenetic location: 2p11.2.
Variant type: single nucleotide variant.
Coding change: c.1942T>C on transcript NM_015425.6 (MANE Select); coding-DNA position 1942, T replaced by C.
Protein change: p.Phe648Leu; replaces phenylalanine 648 with leucine.
Molecular consequence: missense variant.
Genome position (GRCh38, 1-based): chr2:86,065,390, A>G on the plus strand (T>C on the coding strand, the complement: POLR1A is on the minus strand). VCF-style: chr2-86065390-A-G. GRCh37 (hg19) VCF-style: chr2-86292513-A-G.
Other names: short protein forms F648L.
Identifiers: ClinVar variation 4628159 (VCV004628159.2).

ClinVar aggregate classification (germline): Uncertain significance. Review status: criteria provided, multiple submitters, no conflicts (2 of 4 stars). 2 submissions from 2 submitters: Uncertain significance (2). Last evaluated 2025-12-25.

Conditions:
Inborn genetic diseases. Identifiers: MedGen C0950123, MeSH D030342.

Submissions (2):

Labcorp Genetics (formerly Invitae), Labcorp
Classification: Uncertain significance. Last evaluated: 2025-12-25. Review status: criteria provided, single submitter. Criteria: Invitae Variant Classification Sherloc (09022015). Collection method: clinical testing. Allele origin: germline.
Comment: This sequence change replaces phenylalanine, which is neutral and non-polar, with leucine, which is neutral and non-polar, at codon 648 of the POLR1A protein (p.Phe648Leu). This variant is present in population databases (rs775441300, gnomAD 0.002%). This variant has not been reported in the literature in individuals affected with POLR1A-related conditions. Invitae Evidence Modeling of protein sequence and biophysical properties (such as structural, functional, and spatial information, amino acid conservation, physicochemical variation, residue mobility, and thermodynamic stability) has been performed for this missense variant. However, the output from this modeling did not meet the statistical confidence thresholds required to predict the impact of this variant on POLR1A protein function. In summary, the available evidence is currently insufficient to determine the role of this variant in disease. Therefore, it has been classified as a Variant of Uncertain Significance.

Ambry Genetics
Classification: Uncertain significance for Inborn genetic diseases. Last evaluated: 2025-11-05. Review status: criteria provided, single submitter. Criteria: Ambry Variant Classification Scheme 2023. Collection method: clinical testing. Allele origin: germline.